The following is an entry in ClinVar:

ClinVar aggregate classification (germline): Likely pathogenic. Review status: criteria provided, single submitter (1 of 4 stars). 3 submissions from 3 submitters: Likely pathogenic (1). 2 of the submissions do not count toward it. Last evaluated 2024-03-04.

Conditions:
Hereditary myopathy with lactic acidosis due to ISCU deficiency (HML). Also called: MYOPATHY WITH LACTIC ACIDOSIS, HEREDITARY. Identifiers: Orphanet 43115, MedGen C1850718, MONDO:0009706, OMIM 255125.

Allele frequency attached by ClinVar (database versions not stated): gnomAD exomes below 0.00001; ExAC 0.00002; gnomAD 0.00003.
gnomAD v4.1: 7 of 1,614,088 alleles (0.00043%); highest among the groups gnomAD compares: Non-Finnish European, 0.00042%; no homozygotes.

Submissions (3):

Labcorp Genetics (formerly Invitae), Labcorp
Classification: Likely pathogenic. Last evaluated: 2024-03-04. Review status: criteria provided, single submitter. Criteria: Invitae Variant Classification Sherloc (09022015). Collection method: clinical testing. Allele origin: germline.
Comment: This sequence change replaces glycine, which is neutral and non-polar, with glutamic acid, which is acidic and polar, at codon 50 of the ISCU protein (p.Gly50Glu). This variant is present in population databases (rs267607190, gnomAD 0.003%). This missense change has been observed in individual(s) with myopathy with lactic acidosis (PMID: 19567699). In at least one individual the data is consistent with being in trans (on the opposite chromosome) from a pathogenic variant. It has also been observed to segregate with disease in related individuals. ClinVar contains an entry for this variant (Variation ID: 783). An algorithm developed to predict the effect of missense changes on protein structure and function (PolyPhen-2) suggests that this variant is likely to be disruptive. Experimental studies have shown that this missense change affects ISCU function (PMID: 24573684). In summary, the currently available evidence indicates that the variant is pathogenic, but additional data are needed to prove that conclusively. Therefore, this variant has been classified as Likely Pathogenic.

OMIM
Classification: Pathogenic for MYOPATHY WITH LACTIC ACIDOSIS, HEREDITARY. Last evaluated: 2009-08-01. Review status: no assertion criteria provided. Collection method: literature only. Allele origin: germline. Not counted in ClinVar's aggregate classification.

GeneReviews
No classification provided. Condition: Hereditary myopathy with lactic acidosis due to ISCU deficiency. Review status: no classification provided. Collection method: literature only. Allele origin: germline. Affected: yes. Not counted in ClinVar's aggregate classification.

Literature cited by the submitters: PubMed 19567699 (cited by Labcorp Genetics (formerly Invitae), Labcorp and OMIM); PubMed 24573684 (cited by Labcorp Genetics (formerly Invitae), Labcorp); PubMed 19846308 (cited by GeneReviews); NCBI Bookshelf NBK5299 (cited by GeneReviews).

NM_213595.4(ISCU):c.149G>A (p.Gly50Glu)

Gene: ISCU (iron-sulfur cluster assembly enzyme; plus strand). Cytogenetic location: 12q23.3.
Variant type: single nucleotide variant.
Coding change: c.149G>A on transcript NM_213595.4 (MANE Select); coding-DNA position 149, G replaced by A.
Protein change: p.Gly50Glu; replaces glycine 50 with glutamic acid.
Molecular consequence: missense variant. On other transcripts: non-coding transcript variant (1).
Genome position (GRCh38, 1-based): chr12:108,564,313, G>A. VCF-style: chr12-108564313-G-A. GRCh37 (hg19) VCF-style: chr12-108958089-G-A.
Other names: c.149G>A, p.Gly50Glu (NM_001301140.1, NM_001301141.1, NM_001320042.1); c.74G>A, p.Gly25Glu (NM_014301.4); short protein forms G50E, G25E.
Identifiers: ClinVar variation 783 (VCV000000783.6), dbSNP rs267607190, ClinGen allele CA251603.
Genomic context (GRCh38, chr12:108,564,313, plus strand): 5'-GATTTATCTTAACCCTCTCATTTTAGGTTGTTGATCATTATGAAAATCCTAGAAACGTGG[G>A]GTCCCTTGACAAGACATCTAAAAATGTTGGAACTGGACTGGTGGGGGCTCCAGCATGTGG-3'
Protein context (NP_998760.1, residues 40-60): VDHYENPRNV[Gly50Glu]SLDKTSKNVG